The following is an entry in ClinVar:

NM_017819.4(TRMT10C):c.373T>C (p.Ser125Pro)

Gene: TRMT10C (tRNA methyltransferase 10C, mitochondrial RNase P subunit; plus strand). Cytogenetic location: 3q12.3.
Variant type: single nucleotide variant.
Coding change: c.373T>C on transcript NM_017819.4 (MANE Select); coding-DNA position 373, T replaced by C.
Protein change: p.Ser125Pro; replaces serine 125 with proline.
Molecular consequence: missense variant.
Genome position (GRCh38, 1-based): chr3:101,565,154, T>C. VCF-style: chr3-101565154-T-C. GRCh37 (hg19) VCF-style: chr3-101283998-T-C.
Other names: short protein forms S125P.
Identifiers: ClinVar variation 4191393 (VCV004191393.2).

ClinVar aggregate classification (germline): Uncertain significance. Review status: criteria provided, multiple submitters, no conflicts (2 of 4 stars). 2 submissions from 2 submitters: Uncertain significance (2). Last evaluated 2025-08-27.

gnomAD v4.1: 1 of 1,581,250 alleles (0.000063%); highest among the groups gnomAD compares: Admixed American, 0.0019%; no homozygotes.

Submissions (2):

Ambry Genetics
Classification: Uncertain significance. Last evaluated: 2025-08-27. Review status: criteria provided, single submitter. Criteria: Ambry Variant Classification Scheme 2023. Collection method: clinical testing. Allele origin: germline.

Labcorp Genetics (formerly Invitae), Labcorp
Classification: Uncertain significance. Last evaluated: 2025-07-14. Review status: criteria provided, single submitter. Criteria: Invitae Variant Classification Sherloc (09022015). Collection method: clinical testing. Allele origin: germline.
Comment: This sequence change replaces serine, which is neutral and polar, with proline, which is neutral and non-polar, at codon 125 of the TRMT10C protein (p.Ser125Pro). This variant is not present in population databases (gnomAD no frequency). This variant has not been reported in the literature in individuals affected with TRMT10C-related conditions. Invitae Evidence Modeling of protein sequence and biophysical properties (such as structural, functional, and spatial information, amino acid conservation, physicochemical variation, residue mobility, and thermodynamic stability) indicates that this missense variant is expected to disrupt TRMT10C protein function with a positive predictive value of 80%. In summary, the available evidence is currently insufficient to determine the role of this variant in disease. Therefore, it has been classified as a Variant of Uncertain Significance.